The following is an entry in ClinVar:

NM_201384.3(PLEC):c.6800AGG[2] (p.Glu2269del)

Gene: PLEC (plectin; minus strand). Cytogenetic location: 8q24.3.
Variant type: Microsatellite.
Coding change: c.6800AGG[2] on transcript NM_201384.3 (MANE Select); two copies in a row of the 3-base unit AGG starting at c.6800; the reference has three copies in a row; one copy, 3 bases deleted.
Protein change: p.Glu2269del; deletes glutamic acid 2269.
Molecular consequence: inframe deletion. On other transcripts: intron variant (1).
Genome position (GRCh38, 1-based): chr8:143,923,121-143,923,123, CCT deleted on the plus strand (AGG on the coding strand, the reverse complement: PLEC is on the minus strand); deleting any 3 consecutive bases within chr8:143,923,121-143,923,129 gives the same sequence; the position shown is the placement nearest the transcript's 3' end. VCF-style (leftmost placement, unchanged base first): chr8-143923120-GCCT-G. GRCh37 (hg19) VCF-style: chr8-144997288-GCCT-G.
Other names: c.6881AGG[2], p.Glu2296del (NM_000445.5); c.6758AGG[2], p.Glu2255del (NM_201378.4); c.6734AGG[2], p.Glu2247del (NM_201379.3); c.7211AGG[2], p.Glu2406del (NM_201380.4); c.6704AGG[2], p.Glu2237del (NM_201381.3); c.6800AGG[2], p.Glu2269del (NM_201382.4); c.6812AGG[2], p.Glu2273del (NM_201383.3); c.4126-734AGG[2] (NM_001410941.1); short protein forms E2296del, E2237del, E2255del, E2273del, E2406del, E2247del, E2269del.
Identifiers: ClinVar variation 2941791 (VCV002941791.3), dbSNP rs2537694364, ClinGen allele CA2579275743.

ClinVar aggregate classification (germline): Uncertain significance (1 of 4 stars; one submission).

Conditions:
Epidermolysis bullosa simplex with nail dystrophy (EBS5D). Identifiers: MedGen C4225309, MONDO:0014661, OMIM 616487.
Epidermolysis bullosa simplex, Ogna type (EBS5A). Also called: Pidermolysis bullosa simplex 5A, Ogna type; EPIDERMOLYSIS BULLOSA SIMPLEX 5A, OGNA TYPE. Identifiers: Orphanet 79401, MedGen C0432317, MONDO:0007555, OMIM 131950.
Autosomal recessive limb-girdle muscular dystrophy type 2Q (LGMDR17). Also called: MUSCULAR DYSTROPHY, LIMB-GIRDLE, AUTOSOMAL RECESSIVE 17. Identifiers: Orphanet 254361, MedGen C3150989, MONDO:0013390, OMIM 613723.
Epidermolysis bullosa simplex 5B, with muscular dystrophy (EBS5B). Also called: EPIDERMOLYSIS BULLOSA SIMPLEX AND LIMB-GIRDLE MUSCULAR DYSTROPHY; Epidermolysis bullosa simplex with muscular dystrophy. Identifiers: Orphanet 257, MedGen C2931072, MONDO:0009181, OMIM 226670.
Epidermolysis bullosa simplex 5C, with pyloric atresia (EBS5C). Also called: PLEC-Related Epidermolysis Bullosa with Pyloric Atresia; Epidermolysis bullosa simplex with pyloric atresia; PLEC1-Related Epidermolysis Bullosa with Pyloric Atresia. Identifiers: Orphanet 158684, MedGen C2677349, MONDO:0012807, OMIM 612138.

Submission:

Labcorp Genetics (formerly Invitae), Labcorp
Classification: Uncertain significance for Autosomal recessive limb-girdle muscular dystrophy type 2Q; Epidermolysis bullosa simplex, Ogna type; Epidermolysis bullosa simplex with nail dystrophy; Epidermolysis bullosa simplex 5C, with pyloric atresia; Epidermolysis bullosa simplex 5B, with muscular dystrophy. Last evaluated: 2022-11-24. Review status: criteria provided, single submitter. Criteria: Invitae Variant Classification Sherloc (09022015). Collection method: clinical testing. Allele origin: germline.
Comment: This variant is not present in population databases (gnomAD no frequency). In summary, the available evidence is currently insufficient to determine the role of this variant in disease. Therefore, it has been classified as a Variant of Uncertain Significance. Experimental studies and prediction algorithms are not available or were not evaluated, and the functional significance of this variant is currently unknown. This variant has not been reported in the literature in individuals affected with PLEC-related conditions. This variant, c.6887_6889del, results in the deletion of 1 amino acid(s) of the PLEC protein (p.Glu2296del), but otherwise preserves the integrity of the reading frame.